The following is an entry in ClinVar:

ClinVar aggregate classification (germline): Uncertain significance. Review status: criteria provided, multiple submitters, no conflicts (2 of 4 stars). 3 submissions from 3 submitters: Uncertain significance (3). Last evaluated 2024-02-24.

Conditions:
Retinitis pigmentosa 77 (RP77). Identifiers: MedGen C4310626, MONDO:0015013, OMIM 617304.

Allele frequency attached by ClinVar (database versions not stated): gnomAD exomes below 0.00001; TOPMed below 0.00001; ExAC 0.00001; gnomAD 0.00001.
gnomAD v4.1: 15 of 1,601,660 alleles (0.00094%); highest among the groups gnomAD compares: Non-Finnish European, 0.0013%; no homozygotes.

Submissions (3):

Labcorp Genetics (formerly Invitae), Labcorp
Classification: Uncertain significance. Last evaluated: 2024-02-24. Review status: criteria provided, single submitter. Criteria: Invitae Variant Classification Sherloc (09022015). Collection method: clinical testing. Allele origin: germline.
Comment: This sequence change falls in intron 3 of the REEP6 gene. It does not directly change the encoded amino acid sequence of the REEP6 protein. The frequency data for this variant in the population databases is considered unreliable, as metrics indicate poor data quality at this position in the gnomAD database. This variant has been observed in individual(s) with retinitis pigmentosa (Invitae). ClinVar contains an entry for this variant (Variation ID: 1019378). Algorithms developed to predict the effect of sequence changes on RNA splicing suggest that this variant may disrupt the consensus splice site. In summary, the available evidence is currently insufficient to determine the role of this variant in disease. Therefore, it has been classified as a Variant of Uncertain Significance.

Blueprint Genetics
Classification: Uncertain significance. Last evaluated: 2023-08-21. Review status: criteria provided, single submitter. Criteria: ACMG Guidelines, 2015. Collection method: clinical testing. Allele origin: germline.

DBGen Ocular Genomics
Classification: Uncertain significance for Retinitis pigmentosa 77. Last evaluated: 2021-06-21. Review status: criteria provided, single submitter. Criteria: ACMG Guidelines, 2015. Collection method: clinical testing. Allele origin: germline. Affected: yes. Observed: 1 variant allele.

NM_138393.4(REEP6):c.349-4G>T

Gene: REEP6 (receptor accessory protein 6; plus strand). Cytogenetic location: 19p13.3.
Variant type: single nucleotide variant.
Coding change: c.349-4G>T on transcript NM_138393.4 (MANE Select); 4 bases into the intron before coding-DNA position 349, G replaced by T.
Molecular consequence: intron variant.
Genome position (GRCh38, 1-based): chr19:1,496,281, G>T. VCF-style: chr19-1496281-G-T. GRCh37 (hg19) VCF-style: chr19-1496280-G-T.
Other names: c.349-4G>T (NM_001329556.3).
Identifiers: ClinVar variation 1019378 (VCV001019378.10), dbSNP rs756956302, ClinGen allele CA9047549.